The following is an entry in ClinVar:

ClinVar aggregate classification (germline): Benign/Likely benign. Review status: criteria provided, multiple submitters, no conflicts (2 of 4 stars). 6 submissions from 6 submitters: Benign (1); Likely benign (4). 1 of the submissions does not count toward it. Last evaluated 2026-01-11.

Conditions:
AK1-related condition.
Hemolytic anemia due to adenylate kinase deficiency (CNSHA3). Also called: ANEMIA, CONGENITAL, NONSPHEROCYTIC HEMOLYTIC, 3. Identifiers: Orphanet 86817, MedGen C2675459, MONDO:0012967, OMIM 612631.

Allele frequency attached by ClinVar (database versions not stated): gnomAD exomes 0.00029; ExAC 0.00073; 1000 Genomes Project 30x 0.00078; 1000 Genomes Project 0.00080; TOPMed 0.00271; ESP Exome Variant Server 0.00277.

Submissions (6):

Labcorp Genetics (formerly Invitae), Labcorp
Classification: Benign. Last evaluated: 2026-01-11. Review status: criteria provided, single submitter. Criteria: Invitae Variant Classification Sherloc (09022015). Collection method: clinical testing. Allele origin: germline.

ARUP Laboratories, Molecular Genetics and Genomics, ARUP Laboratories
Classification: Likely benign for Hemolytic anemia due to adenylate kinase deficiency. Last evaluated: 2025-04-08. Review status: criteria provided, single submitter. Criteria: ARUP Molecular Germline Variant Investigation Process 2024. Collection method: clinical testing. Allele origin: germline.

CeGaT Center for Human Genetics Tuebingen
Classification: Likely benign. Last evaluated: 2025-04-01. Review status: criteria provided, single submitter. Criteria: CeGaT Center For Human Genetics Tuebingen Variant Classification Criteria Version 2. Collection method: clinical testing. Allele origin: germline. Affected: yes. Observed: 1 variant allele.
Comment: AK1: BP4, BP7

Blueprint Genetics
Classification: Likely benign. Last evaluated: 2024-11-27. Review status: criteria provided, single submitter. Criteria: ACMG Guidelines, 2015. Collection method: clinical testing. Allele origin: germline.

Mayo Clinic Laboratories, Mayo Clinic
Classification: Likely benign. Last evaluated: 2024-08-08. Review status: criteria provided, single submitter. Criteria: ACMG Guidelines, 2015. Collection method: clinical testing. Allele origin: germline. Observed: 6 variant alleles.

PreventionGenetics, part of Exact Sciences
Classification: Likely benign for AK1-related condition. Last evaluated: 2024-09-17. Review status: no assertion criteria provided. Collection method: clinical testing. Allele origin: germline. Not counted in ClinVar's aggregate classification.
Comment: This variant is classified as likely benign based on ACMG/AMP sequence variant interpretation guidelines (Richards et al. 2015 PMID: 25741868, with internal and published modifications).

NM_000476.3(AK1):c.153G>A (p.Ser51=)

Genes: AK1 (adenylate kinase 1; minus strand), ST6GALNAC4-ST6GALNAC6-AK1 (ST6GALNAC4-ST6GALNAC6-AK1 readthrough; minus strand). Cytogenetic location: 9q34.11.
Variant type: single nucleotide variant.
Coding change: c.153G>A on transcript NM_000476.3 (MANE Select); coding-DNA position 153, G replaced by A.
Protein change: p.Ser51=; no amino-acid change (serine 51 retained).
Molecular consequence: synonymous variant. On other transcripts: non-coding transcript variant (8).
Genome position (GRCh38, 1-based): chr9:127,872,744, C>T on the plus strand (G>A on the coding strand, the complement: AK1 is on the minus strand). VCF-style: chr9-127872744-C-T. GRCh37 (hg19) VCF-style: chr9-130635023-C-T.
Other names: p.Ser51=; c.153G>A, p.Ser51= (NM_001318121.1); c.201G>A, p.Ser67= (NM_001318122.2); c.153G>A (NM_000476.2).
Identifiers: ClinVar variation 2059799 (VCV002059799.17), dbSNP rs61741083, ClinGen allele CA5253434.
Genomic context (GRCh38, chr9:127,872,744, plus strand): 5'-ACTCACCAGTGGAACCAGCTGCCCCTTCTCCATGATTTCCGACAGCTTCTTGCCCCTGGC[C>T]GAGCCTGAGCTGACCTCGGACCGCAGGAGGTCCCCGGTGGAGAGGTGGGTGTAGCCATAC-3'
Protein context (NP_000467.1, residues 41-61): DLLRSEVSSG[Ser51=]ARGKKLSEIM